The following is an entry in ClinVar:

ClinVar aggregate classification (germline): Uncertain significance. Review status: criteria provided, multiple submitters, no conflicts (2 of 4 stars). 4 submissions from 4 submitters: Uncertain significance (4). Last evaluated 2026-01-15.

Conditions:
Hereditary cancer-predisposing syndrome. Also called: Neoplastic Syndromes, Hereditary; Tumor predisposition; Hereditary neoplastic syndrome; Hereditary Cancer Syndrome. Identifiers: Orphanet 140162, MedGen C0027672, MeSH D009386, MONDO:0015356.
Familial adenomatous polyposis 1 (FAP1). Also called: POLYPOSIS, ADENOMATOUS INTESTINAL; FAMILIAL ADENOMATOUS POLYPOSIS 1, ATTENUATED. Identifiers: MedGen C2713442, MONDO:0021056, OMIM 175100. Disease mechanism: loss of function.

Allele frequency attached by ClinVar (database versions not stated): gnomAD exomes below 0.00001; TOPMed below 0.00001; gnomAD 0.00001.
gnomAD v4.1: 2 of 1,613,000 alleles (0.00012%); highest among the groups gnomAD compares: African/African-American, 0.0027%; no homozygotes.

Submissions (4):

Labcorp Genetics (formerly Invitae), Labcorp
Classification: Uncertain significance for Familial adenomatous polyposis 1. Last evaluated: 2026-01-15. Review status: criteria provided, single submitter. Criteria: Invitae Variant Classification Sherloc (09022015). Collection method: clinical testing. Allele origin: germline.
Comment: This sequence change replaces leucine, which is neutral and non-polar, with isoleucine, which is neutral and non-polar, at codon 533 of the APC protein (p.Leu533Ile). The frequency data for this variant in the population databases is considered unreliable, as metrics indicate poor data quality at this position in the gnomAD database. This variant has not been reported in the literature in individuals affected with APC-related conditions. ClinVar contains an entry for this variant (Variation ID: 628984). Invitae Evidence Modeling of protein sequence and biophysical properties (such as structural, functional, and spatial information, amino acid conservation, physicochemical variation, residue mobility, and thermodynamic stability) indicates that this missense variant is not expected to disrupt APC protein function with a negative predictive value of 95%. In summary, the available evidence is currently insufficient to determine the role of this variant in disease. Therefore, it has been classified as a Variant of Uncertain Significance.

Color Diagnostics, LLC DBA Color Health
Classification: Uncertain significance for Hereditary cancer-predisposing syndrome. Last evaluated: 2024-03-06. Review status: criteria provided, single submitter. Criteria: ACMG Guidelines, 2015. Collection method: clinical testing. Allele origin: germline.
Comment: This missense variant replaces leucine with isoleucine at codon 533 of the APC protein. Computational prediction is inconclusive regarding the impact of this variant on protein structure and function (internally defined REVEL score threshold 0.5 < inconclusive < 0.7, PMID: 27666373). Splice site prediction tools suggest that this variant may not impact RNA splicing. To our knowledge, functional studies have not been performed for this variant. This variant has not been reported in individuals affected with hereditary cancer in the literature. This variant has been identified in 1/250816 chromosomes in the general population by the Genome Aggregation Database (gnomAD). The available evidence is insufficient to determine the role of this variant in disease conclusively. Therefore, this variant is classified as a Variant of Uncertain Significance.

Ambry Genetics
Classification: Uncertain significance for Hereditary cancer-predisposing syndrome. Last evaluated: 2023-02-04. Review status: criteria provided, single submitter. Criteria: Ambry Variant Classification Scheme 2023. Collection method: clinical testing. Allele origin: germline.
Comment: The p.L533I variant (also known as c.1597C>A), located in coding exon 12 of the APC gene, results from a C to A substitution at nucleotide position 1597. The leucine at codon 533 is replaced by isoleucine, an amino acid with highly similar properties. This amino acid position is highly conserved in available vertebrate species. In addition, in silico predictors for this gene do not accurately predict pathogenicity. Since supporting evidence is limited at this time, the clinical significance of this alteration remains unclear.

GeneDx
Classification: Uncertain significance. Last evaluated: 2020-02-11. Review status: criteria provided, single submitter. Criteria: GeneDx Variant Classification Process June 2021. Collection method: clinical testing. Allele origin: germline. Affected: yes.
Comment: Not observed at a significant frequency in large population cohorts (Lek et al., 2016); In silico analysis supports that this missense variant does not alter protein structure/function; Has not been previously published as pathogenic or benign to our knowledge

NM_000038.6(APC):c.1597C>A (p.Leu533Ile)

Gene: APC (APC regulator of Wnt signaling pathway; plus strand). Cytogenetic location: 5q22.2.
Variant type: single nucleotide variant.
Coding change: c.1597C>A on transcript NM_000038.6 (MANE Select); coding-DNA position 1597, C replaced by A.
Protein change: p.Leu533Ile; replaces leucine 533 with isoleucine.
Molecular consequence: missense variant.
Genome position (GRCh38, 1-based): chr5:112,827,977, C>A. VCF-style: chr5-112827977-C-A. GRCh37 (hg19) VCF-style: chr5-112163674-C-A.
Other names: c.1597C>A, p.Leu533Ile (NM_001127510.3, NM_001354895.2); c.1543C>A, p.Leu515Ile (NM_001127511.3); c.1651C>A, p.Leu551Ile (NM_001354896.2); c.1627C>A, p.Leu543Ile (NM_001354897.2); c.1522C>A, p.Leu508Ile (NM_001354898.2); c.1513C>A, p.Leu505Ile (NM_001354899.2); c.1474C>A, p.Leu492Ile (NM_001354900.2); c.1420C>A, p.Leu474Ile (NM_001354901.2); and 5 more; short protein forms L515I, L533I, L250I, L373I, L432I, L442I, L474I, L508I.
Identifiers: ClinVar variation 628984 (VCV000628984.17), dbSNP rs905180328, ClinGen allele CA16024792.
Genomic context (GRCh38, chr5:112,827,977, plus strand): 5'-TTTAATTTACAGGCTACGCTATGCTCTATGAAAGGCTGCATGAGAGCACTTGTGGCCCAA[C>A]TAAAATCTGAAAGTGAAGACTTACAGCAGGTACTATTTAGAATTTCACCTGTTTTTCTTT-3'
Protein context (NP_000029.2, residues 523-543): KGCMRALVAQ[Leu533Ile]KSESEDLQQV